The following is an entry in ClinVar:

ClinVar aggregate classification (germline): Pathogenic (1 of 4 stars; one submission).

Conditions:
Recessive dystrophic epidermolysis bullosa (RDEB). Also called: DYSTROPHIC EPIDERMOLYSIS BULLOSA, AUTOSOMAL RECESSIVE; EPIDERMOLYSIS BULLOSA DYSTROPHICA, HALLOPEAU-SIEMENS TYPE; Hallopeau-Siemens Disease; severe generalized recessive dystrophic epidermolysis bullosa; EPIDERMOLYSIS BULLOSA DYSTROPHICA, GENERALIZED SEVERE, AUTOSOMAL RECESSIVE; Epidermolysis Bullosa Distrophica Autosomal Recessive (RDEB). Identifiers: Orphanet 79408, Orphanet 79409, MedGen C0079474, MONDO:0009179, OMIM 226600.

gnomAD v4.1: 2 of 1,613,790 alleles (0.00012%); highest among the groups gnomAD compares: South Asian, 0.0011%; no homozygotes.

Submission:

Myriad Genetics, Inc.
Classification: Pathogenic for Recessive dystrophic epidermolysis bullosa. Last evaluated: 2025-01-27. Review status: criteria provided, single submitter. Criteria: Myriad Autosomal Dominant, Autosomal Recessive and X-Linked Classification Criteria (2023). Collection method: clinical testing. Allele origin: unknown.
Comment: NM_000094.3(COL7A1):c.4118C>A(S1373*) is expected to be pathogenic in the context of dystrophic epidermolysis bullosa. This variant is predicted to lead to an abnormal or absent protein product due to the creation of a premature termination codon in COL7A1, a gene where loss-of-function variants are known to be pathogenic. Please note: this variant was assessed in the context of healthy population screening.

NM_000094.4(COL7A1):c.4118C>A (p.Ser1373Ter)

Gene: COL7A1 (collagen type VII alpha 1 chain; minus strand). Cytogenetic location: 3p21.31.
Variant type: single nucleotide variant.
Coding change: c.4118C>A on transcript NM_000094.4 (MANE Select); coding-DNA position 4118, C replaced by A.
Protein change: p.Ser1373Ter; replaces serine 1373 with a stop codon.
Molecular consequence: nonsense.
Genome position (GRCh38, 1-based): chr3:48,584,486, G>T on the plus strand (C>A on the coding strand, the complement: COL7A1 is on the minus strand). VCF-style: chr3-48584486-G-T. GRCh37 (hg19) VCF-style: chr3-48621919-G-T.
Other names: short protein forms S1373*.
Identifiers: ClinVar variation 5014027 (VCV005014027.1).